The following is an entry in ClinVar:

NM_000187.4(HGD):c.8A>C (p.Glu3Ala)

Gene: HGD (homogentisate 1,2-dioxygenase; minus strand). Cytogenetic location: 3q13.33.
Variant type: single nucleotide variant.
Coding change: c.8A>C on transcript NM_000187.4 (MANE Select); coding-DNA position 8, A replaced by C.
Protein change: p.Glu3Ala; replaces glutamic acid 3 with alanine.
Molecular consequence: missense variant.
Genome position (GRCh38, 1-based): chr3:120,682,104, T>G on the plus strand (A>C on the coding strand, the complement: HGD is on the minus strand). VCF-style: chr3-120682104-T-G. GRCh37 (hg19) VCF-style: chr3-120400951-T-G.
Other names: short protein forms E3A.
Identifiers: ClinVar variation 555702 (VCV000555702.11), dbSNP rs200412910, ClinGen allele CA2560403.
Genomic context (GRCh38, chr3:120,682,104, plus strand): 5'-TCCATAAATTTTGGCTGAAGAAGCCATAGCAAACTTGTCAGATGGTTTCTTACCTTTAAC[T>G]CAGCCATTTTCTCTCTCCTCTATGTGTGGTGACTTCAGGAAACCCAGGCCCAGAGGATAT-3'
Protein context (NP_000178.2, residues 1-13): MA[Glu3Ala]LKYISGFGNE

ClinVar aggregate classification (germline): Conflicting classifications of pathogenicity. Review status: criteria provided, conflicting classifications (1 of 4 stars). 6 submissions from 6 submitters: Uncertain significance (3); Likely benign (1). 2 of the submissions do not count toward it. Last evaluated 2025-06-12.

Conditions:
Alkaptonuria (AKU). Also called: Alcaptonuria; HOMOGENTISIC ACID OXIDASE DEFICIENCY; Alkaptonuric ochronosis; Homogentisic acidura. Identifiers: Orphanet 56, MedGen C0002066, MONDO:0008753, OMIM 203500.

Allele frequency attached by ClinVar (database versions not stated): ESP Exome Variant Server 0.00015; 1000 Genomes Project 30x 0.00016; 1000 Genomes Project 0.00020; gnomAD 0.00022; TOPMed 0.00026; gnomAD exomes 0.00036; ExAC 0.00053.
gnomAD v4.1: 668 of 1,614,060 alleles (0.041%); highest among the groups gnomAD compares: Non-Finnish European, 0.053%; 1 homozygote.

Submissions (6):

Labcorp Genetics (formerly Invitae), Labcorp
Classification: Likely benign for Alkaptonuria. Last evaluated: 2025-06-12. Review status: criteria provided, single submitter. Criteria: Invitae Variant Classification Sherloc (09022015). Collection method: clinical testing. Allele origin: germline.

Fulgent Genetics
Classification: Uncertain significance for Alkaptonuria. Last evaluated: 2022-02-11. Review status: criteria provided, single submitter. Criteria: ACMG Guidelines, 2015. Collection method: clinical testing. Allele origin: unknown.

Illumina Laboratory Services, Illumina
Classification: Uncertain significance for Alkaptonuria. Last evaluated: 2017-04-28. Review status: criteria provided, single submitter. Criteria: ICSL Variant Classification Criteria 13 December 2019. Collection method: clinical testing. Allele origin: germline.
Comment: This variant was observed as part of a predisposition screen in an ostensibly healthy population. A literature search was performed for the gene, cDNA change, and amino acid change (where applicable). Publications were found based on this search. However, the evidence from the literature, in combination with allele frequency data from public databases where available, was not sufficient to rule this variant in or out of causing disease. Therefore, this variant is classified as a variant of unknown significance.

Breakthrough Genomics
Classification: Uncertain significance. Review status: criteria provided, single submitter. Criteria: ACMG Guidelines, 2015. Collection method: not provided. Allele origin: germline. Inheritance: Autosomal recessive inheritance. Affected: yes.

Counsyl
Classification: Uncertain significance for Alkaptonuria. Last evaluated: 2017-12-28. Review status: no assertion criteria provided. Collection method: clinical testing. Allele origin: unknown. Not counted in ClinVar's aggregate classification.

Department Of Human Genetics, Institute Of Clinical And Translational Research, Biomedical Research Center, Slovak Academy Of Sciences
Classification: Pathogenic for Alkaptonuria. Review status: no assertion criteria provided. Collection method: research. Allele origin: germline. Inheritance: Autosomal recessive inheritance. Affected: yes. Observed: 1 variant allele. Not counted in ClinVar's aggregate classification.
Comment: The variant was originally described in AKU patient in PMID:19862842. It has been submitted to the HGD gene mutation database (DB-ID: AKU_00001).

Literature cited by the submitters: PubMed 19862842 (cited by 3 submitters).